The following is an entry in ClinVar:

NM_019844.4(SLCO1B3):c.1150C>A (p.Pro384Thr)

Genes: SLCO1B3 (solute carrier organic anion transporter family member 1B3; plus strand), SLCO1B3-SLCO1B7 (SLCO1B3-SLCO1B7 readthrough; plus strand). Cytogenetic location: 12p12.2.
Variant type: single nucleotide variant.
Coding change: c.1150C>A on transcript NM_019844.4 (MANE Select); coding-DNA position 1150, C replaced by A.
Protein change: p.Pro384Thr; replaces proline 384 with threonine.
Molecular consequence: missense variant.
Genome position (GRCh38, 1-based): chr12:20,879,450, C>A. VCF-style: chr12-20879450-C-A. GRCh37 (hg19) VCF-style: chr12-21032384-C-A.
Other names: c.1150C>A, p.Pro384Thr (NM_001371097.1); c.1066C>A, p.Pro356Thr (NM_001349920.2); short protein forms P356T, P384T.
Identifiers: ClinVar variation 3353004 (VCV003353004.2).

ClinVar aggregate classification (germline): Uncertain significance (1 of 4 stars; one submission).

Conditions:
SLCO1B3-related disorder. Also called: SLCO1B3-related condition.

Submission:

PreventionGenetics, part of Exact Sciences
Classification: Uncertain significance for SLCO1B3-related condition. Last evaluated: 2026-01-16. Review status: criteria provided, single submitter. Criteria: ACMG Guidelines, 2015. Collection method: clinical testing. Allele origin: germline.
Comment: The SLCO1B3 c.1150C>A variant is predicted to result in the amino acid substitution p.Pro384Thr. To our knowledge, this variant has not been reported in the literature. This variant is reported in 0.024% of alleles in individuals of African descent in gnomAD. At this time, the clinical significance of this variant is uncertain due to the absence of conclusive functional and genetic evidence.